The following is an entry in ClinVar:

ClinVar aggregate classification (germline): Uncertain significance. Review status: criteria provided, multiple submitters, no conflicts (2 of 4 stars). 5 submissions from 5 submitters: Uncertain significance (4). 1 of the submissions does not count toward it. Last evaluated 2025-12-28.

Conditions:
Hereditary cancer-predisposing syndrome. Also called: Tumor predisposition; Hereditary Cancer Syndrome; Neoplastic Syndromes, Hereditary; Hereditary neoplastic syndrome. Identifiers: Orphanet 140162, MedGen C0027672, MeSH D009386, MONDO:0015356.
Familial cancer of breast. Also called: Hereditary breast cancer; hereditary breast carcinoma; BREAST CANCER, FAMILIAL. Identifiers: Orphanet 227535, MedGen C0346153, MONDO:0016419, OMIM 114480. Disease mechanism: loss of function.
Ataxia-telangiectasia syndrome (AT). Also called: Cerebello-oculocutaneous telangiectasia; Immunodeficiency with ataxia telangiectasia; Ataxia-telangiectasia, complementation group D; AT, COMPLEMENTATION GROUP C; Ataxia-telangiectasia, complementation group E; LOUIS-BAR SYNDROME. Identifiers: Orphanet 100, MedGen C0004135, MONDO:0008840, OMIM 208900.

Allele frequency attached by ClinVar (database versions not stated): gnomAD exomes 0.00002.

Submissions (5):

Labcorp Genetics (formerly Invitae), Labcorp
Classification: Uncertain significance for Ataxia-telangiectasia syndrome. Last evaluated: 2025-12-28. Review status: criteria provided, single submitter. Criteria: Invitae Variant Classification Sherloc (09022015). Collection method: clinical testing. Allele origin: germline.
Comment: This sequence change replaces glutamine, which is neutral and polar, with lysine, which is basic and polar, at codon 1709 of the ATM protein (p.Gln1709Lys). This variant is present in population databases (no rsID available, gnomAD 0.02%). This variant has not been reported in the literature in individuals affected with ATM-related conditions. ClinVar contains an entry for this variant (Variation ID: 453561). Invitae Evidence Modeling of protein sequence and biophysical properties (such as structural, functional, and spatial information, amino acid conservation, physicochemical variation, residue mobility, and thermodynamic stability) indicates that this missense variant is not expected to disrupt ATM protein function with a negative predictive value of 95%. In summary, the available evidence is currently insufficient to determine the role of this variant in disease. Therefore, it has been classified as a Variant of Uncertain Significance.

Ambry Genetics
Classification: Uncertain significance for Hereditary cancer-predisposing syndrome. Last evaluated: 2025-07-12. Review status: criteria provided, single submitter. Criteria: Ambry Variant Classification Scheme 2023. Collection method: clinical testing. Allele origin: germline.
Comment: The p.Q1709K variant (also known as c.5125C>A), located in coding exon 33 of the ATM gene, results from a C to A substitution at nucleotide position 5125. The glutamine at codon 1709 is replaced by lysine, an amino acid with similar properties. This amino acid position is well conserved in available vertebrate species. In addition, this alteration is predicted to be tolerated by in silico analysis. Since supporting evidence is limited at this time, the clinical significance of this alteration remains unclear.

Color Diagnostics, LLC DBA Color Health
Classification: Uncertain significance for Hereditary cancer-predisposing syndrome. Last evaluated: 2024-03-06. Review status: criteria provided, single submitter. Criteria: ACMG Guidelines, 2015. Collection method: clinical testing. Allele origin: germline.
Comment: This missense variant replaces glutamine with lysine at codon 1709 of the ATM protein. Computational prediction suggests that this variant may not impact protein structure and function (internally defined REVEL score threshold <= 0.5, PMID: 27666373). To our knowledge, functional studies have not been reported for this variant. This variant has not been reported in individuals affected with hereditary cancer in the literature. This variant has been identified in 4/251162 chromosomes in the general population by the Genome Aggregation Database (gnomAD). The available evidence is insufficient to determine the role of this variant in disease conclusively. Therefore, this variant is classified as a Variant of Uncertain Significance.

Baylor Genetics
Classification: Uncertain significance for Familial cancer of breast. Last evaluated: 2023-09-09. Review status: criteria provided, single submitter. Criteria: ACMG Guidelines, 2015. Collection method: clinical testing. Allele origin: unknown.

Natera, Inc.
Classification: Uncertain significance for Ataxia-telangiectasia. Last evaluated: 2021-05-31. Review status: no assertion criteria provided. Collection method: clinical testing. Allele origin: germline. Not counted in ClinVar's aggregate classification.

NM_000051.4(ATM):c.5125C>A (p.Gln1709Lys)

Gene: ATM (ATM serine/threonine kinase; plus strand). Cytogenetic location: 11q22.3.
Variant type: single nucleotide variant.
Coding change: c.5125C>A on transcript NM_000051.4 (MANE Select); coding-DNA position 5125, C replaced by A.
Protein change: p.Gln1709Lys; replaces glutamine 1709 with lysine.
Molecular consequence: missense variant.
Genome position (GRCh38, 1-based): chr11:108,299,833, C>A. VCF-style: chr11-108299833-C-A. GRCh37 (hg19) VCF-style: chr11-108170560-C-A.
Other names: c.5125C>A, p.Gln1709Lys (NM_001351834.2); short protein forms Q1709K.
Identifiers: ClinVar variation 453561 (VCV000453561.24), dbSNP rs1341457041, ClinGen allele CA382540873.